The following is an entry in ClinVar:

NM_021620.4(PRDM13):c.1027G>A (p.Glu343Lys)

Genes: PRDM13 (PR/SET domain 13; plus strand), LOC129996881 (ATAC-STARR-seq lymphoblastoid silent region 17422; plus strand). Cytogenetic location: 6q16.2.
Variant type: single nucleotide variant.
Coding change: c.1027G>A on transcript NM_021620.4 (MANE Select); coding-DNA position 1027, G replaced by A.
Protein change: p.Glu343Lys; replaces glutamic acid 343 with lysine.
Molecular consequence: missense variant.
Genome position (GRCh38, 1-based): chr6:99,613,662, G>A. VCF-style: chr6-99613662-G-A. GRCh37 (hg19) VCF-style: chr6-100061538-G-A.
Other names: short protein forms E343K.
Identifiers: ClinVar variation 971437 (VCV000971437.13), dbSNP rs1431975587, ClinGen allele CA365117543.
Genomic context (GRCh38, chr6:99,613,662, plus strand): 5'-GGCCTCGCTTTGGGCAGGCTGCTGGGCGGGGGCCGGGCGTGCGGGCGCCCCGGGAGCGGG[G>A]AGAACTCGGCGGCGGGCGGCGCGGGTCACCACCATCACCACCACGCGCACCACCACCACC-3'
Protein context (NP_067633.2, residues 333-353): GRACGRPGSG[Glu343Lys]NSAAGGAGHH

ClinVar aggregate classification (germline): Uncertain significance. Review status: criteria provided, multiple submitters, no conflicts (2 of 4 stars). 2 submissions from 2 submitters: Uncertain significance (2). Last evaluated 2025-03-17.

Allele frequency attached by ClinVar (database versions not stated): TOPMed 0.00001.

Submissions (2):

Labcorp Genetics (formerly Invitae), Labcorp
Classification: Uncertain significance. Last evaluated: 2025-03-17. Review status: criteria provided, single submitter. Criteria: Invitae Variant Classification Sherloc (09022015). Collection method: clinical testing. Allele origin: germline.
Comment: This sequence change replaces glutamic acid, which is acidic and polar, with lysine, which is basic and polar, at codon 343 of the PRDM13 protein (p.Glu343Lys). This variant is not present in population databases (gnomAD no frequency). This variant has not been reported in the literature in individuals affected with PRDM13-related conditions. ClinVar contains an entry for this variant (Variation ID: 971437). An algorithm developed to predict the effect of missense changes on protein structure and function (PolyPhen-2) suggests that this variant is likely to be tolerated. In summary, the available evidence is currently insufficient to determine the role of this variant in disease. Therefore, it has been classified as a Variant of Uncertain Significance.

Blueprint Genetics
Classification: Uncertain significance. Last evaluated: 2024-01-12. Review status: criteria provided, single submitter. Criteria: ACMG Guidelines, 2015. Collection method: clinical testing. Allele origin: germline.